The following is an entry in ClinVar:

NM_004304.5(ALK):c.2355T>C (p.Ser785=)

Gene: ALK (ALK receptor tyrosine kinase; minus strand). Cytogenetic location: 2p23.2.
Variant type: single nucleotide variant.
Coding change: c.2355T>C on transcript NM_004304.5 (MANE Select); coding-DNA position 2355, T replaced by C.
Protein change: p.Ser785=; no amino-acid change (serine 785 retained).
Molecular consequence: synonymous variant.
Genome position (GRCh38, 1-based): chr2:29,239,680, A>G on the plus strand (T>C on the coding strand, the complement: ALK is on the minus strand). VCF-style: chr2-29239680-A-G. GRCh37 (hg19) VCF-style: chr2-29462546-A-G.
Identifiers: ClinVar variation 4723247 (VCV004723247.1).

ClinVar aggregate classification (germline): Uncertain significance (1 of 4 stars; one submission).

Conditions:
Neuroblastoma, susceptibility to, 3. Also called: ALK-Related Neuroblastic Tumor Susceptibility. Identifiers: Orphanet 635, MedGen C2751681, MONDO:0013083, OMIM 613014.

gnomAD v4.1: 1 of 1,613,650 alleles (0.000062%); no homozygotes.

Submission:

Labcorp Genetics (formerly Invitae), Labcorp
Classification: Uncertain significance for Neuroblastoma, susceptibility to, 3. Last evaluated: 2025-07-15. Review status: criteria provided, single submitter. Criteria: Invitae Variant Classification Sherloc (09022015). Collection method: clinical testing. Allele origin: germline.
Comment: This sequence change affects codon 785 of the ALK mRNA. It is a 'silent' change, meaning that it does not change the encoded amino acid sequence of the ALK protein. It affects a nucleotide within the consensus splice site. This variant is not present in population databases (gnomAD no frequency). This variant has not been reported in the literature in individuals affected with ALK-related conditions. Algorithms developed to predict the effect of sequence changes on RNA splicing suggest that this variant is not likely to affect RNA splicing. In summary, the available evidence is currently insufficient to determine the role of this variant in disease. Therefore, it has been classified as a Variant of Uncertain Significance.